The following is an entry in ClinVar:

ClinVar aggregate classification (germline): Pathogenic. Review status: criteria provided, multiple submitters, no conflicts (2 of 4 stars). 5 submissions from 5 submitters: Pathogenic (3). 2 of the submissions do not count toward it. Last evaluated 2026-04-08.

Conditions:
Familial hemiplegic migraine. Identifiers: MedGen C0338484, MONDO:0000700.
Migraine, familial hemiplegic, 2. Identifiers: Orphanet 569, MedGen C1865322, MONDO:0011232, OMIM 602481.

Submissions (5):

GeneDx
Classification: Pathogenic. Last evaluated: 2026-04-08. Review status: criteria provided, single submitter. Criteria: GeneDx Variant Classification Process June 2021. Collection method: clinical testing. Allele origin: germline.
Comment: Published functional studies show G301R results in a loss of function (PMID: 21398422); Not observed at significant frequency in large population cohorts (gnomAD); In silico analysis supports that this missense variant has a deleterious effect on protein structure/function; This variant is associated with the following publications: (PMID: 28717674, 21398422, 19372756, 35986251, 35289188, 15459825, 35257835)

3billion
Classification: Pathogenic for Migraine, familial hemiplegic, 2. Last evaluated: 2023-12-07. Review status: criteria provided, single submitter. Criteria: ACMG Guidelines, 2015. Collection method: clinical testing. Allele origin: germline. Affected: yes.
Comment: The variant is not observed in the gnomAD v2.1.1 dataset. Predicted Consequence/Location: Missense changes are a common disease-causing mechanism. In silico tool predictions suggest damaging effect of the variant on gene or gene product [REVEL: 0.94 (>=0.6, sensitivity 0.68 and specificity 0.92); 3Cnet: 0.91 (>=0.6, sensitivity 0.72 and precision 0.9)]. Same nucleotide change resulting in same amino acid change has been previously reported as pathogenic/likely pathogenic with strong evidence (ClinVar ID: VCV000012922 /PMID: 15459825). The variant has been reported to co-segregate with the disease in at least 7 similarly affected relatives/individuals in at least two unrelated families (PMID: 15459825, 21398422). A different missense change at the same codon (p.Gly301Glu) has been reported to be associated with ATP1A2-related disorder (ClinVar ID: VCV002020422). Therefore, this variant is classified as Pathogenic according to the recommendation of ACMG/AMP guideline.

Labcorp Genetics (formerly Invitae), Labcorp
Classification: Pathogenic for Familial hemiplegic migraine. Last evaluated: 2022-10-24. Review status: criteria provided, single submitter. Criteria: Invitae Variant Classification Sherloc (09022015). Collection method: clinical testing. Allele origin: germline.
Comment: This sequence change replaces glycine, which is neutral and non-polar, with arginine, which is basic and polar, at codon 301 of the ATP1A2 protein (p.Gly301Arg). This variant is not present in population databases (gnomAD no frequency). This missense change has been observed in individuals with familial hemiplegic migraine (PMID: 15459825, 21398422). It has also been observed to segregate with disease in related individuals. ClinVar contains an entry for this variant (Variation ID: 12922). Advanced modeling of protein sequence and biophysical properties (such as structural, functional, and spatial information, amino acid conservation, physicochemical variation, residue mobility, and thermodynamic stability) performed at Invitae indicates that this missense variant is expected to disrupt ATP1A2 protein function. Experimental studies have shown that this missense change affects ATP1A2 function (PMID: 19372756, 21398422). For these reasons, this variant has been classified as Pathogenic.

OMIM
Classification: Pathogenic for MIGRAINE, FAMILIAL HEMIPLEGIC, 2. Last evaluated: 2004-09-01. Review status: no assertion criteria provided. Collection method: literature only. Allele origin: germline. Not counted in ClinVar's aggregate classification.

GeneReviews
No classification provided. Condition: Familial hemiplegic migraine. Review status: no classification provided. Collection method: literature only. Allele origin: germline. Not counted in ClinVar's aggregate classification.
Comment: Severe phenotype reported

Literature cited by the submitters: PubMed 15459825 (cited by 4 submitters); PubMed 21398422 (cited by 3 submitters); PubMed 19372756 (cited by Labcorp Genetics (formerly Invitae), Labcorp); PubMed 20301562 (cited by GeneReviews).

NM_000702.4(ATP1A2):c.901G>A (p.Gly301Arg)

Gene: ATP1A2 (ATPase Na+/K+ transporting subunit alpha 2; plus strand). Cytogenetic location: 1q23.2.
Variant type: single nucleotide variant.
Coding change: c.901G>A on transcript NM_000702.4 (MANE Select); coding-DNA position 901, G replaced by A.
Protein change: p.Gly301Arg; replaces glycine 301 with arginine.
Molecular consequence: missense variant.
Genome position (GRCh38, 1-based): chr1:160,127,704, G>A. VCF-style: chr1-160127704-G-A. GRCh37 (hg19) VCF-style: chr1-160097494-G-A.
Other names: c.901G>A (NM_000702.3); short protein forms G301R.
Identifiers: ClinVar variation 12922 (VCV000012922.10), dbSNP rs121918612, ClinGen allele CA256635.